The following is an entry in ClinVar:

ClinVar aggregate classification (germline): Uncertain significance. Review status: criteria provided, multiple submitters, no conflicts (2 of 4 stars). 2 submissions from 2 submitters: Uncertain significance (2). Last evaluated 2023-08-09.

Conditions:
Dyskeratosis congenita, autosomal recessive 6 (DKCB6). Identifiers: MedGen C4225356, MONDO:0014600, OMIM 616353.
Pulmonary fibrosis and/or bone marrow failure, Telomere-related, 4. Also called: PULMONARY FIBROSIS AND/OR BONE MARROW FAILURE SYNDROME, TELOMERE-RELATED, 4. Identifiers: Orphanet 2032, MedGen C4225347, MONDO:0014612, OMIM 616371.

Allele frequency attached by ClinVar (database versions not stated): gnomAD exomes below 0.00001; TOPMed below 0.00001.
gnomAD v4.1: 3 of 1,606,794 alleles (0.00019%); highest among the groups gnomAD compares: East Asian, 0.0022%; no homozygotes.

Submissions (2):

Mayo Clinic Laboratories, Mayo Clinic
Classification: Uncertain significance. Last evaluated: 2023-08-09. Review status: criteria provided, single submitter. Criteria: ACMG Guidelines, 2015. Collection method: clinical testing. Allele origin: germline. Observed: 1 variant allele.
Comment: PM2

Labcorp Genetics (formerly Invitae), Labcorp
Classification: Uncertain significance for Dyskeratosis congenita, autosomal recessive 6; Pulmonary fibrosis and/or bone marrow failure, Telomere-related, 4. Last evaluated: 2022-11-14. Review status: criteria provided, single submitter. Criteria: Invitae Variant Classification Sherloc (09022015). Collection method: clinical testing. Allele origin: germline.
Comment: In summary, the available evidence is currently insufficient to determine the role of this variant in disease. Therefore, it has been classified as a Variant of Uncertain Significance. Advanced modeling of protein sequence and biophysical properties (such as structural, functional, and spatial information, amino acid conservation, physicochemical variation, residue mobility, and thermodynamic stability) performed at Invitae indicates that this missense variant is expected to disrupt PARN protein function. This variant has not been reported in the literature in individuals affected with PARN-related conditions. This variant is not present in population databases (gnomAD no frequency). This sequence change replaces threonine, which is neutral and polar, with alanine, which is neutral and non-polar, at codon 49 of the PARN protein (p.Thr49Ala).

NM_002582.4(PARN):c.145A>G (p.Thr49Ala)

Gene: PARN (poly(A)-specific ribonuclease; minus strand). Cytogenetic location: 16p13.12.
Variant type: single nucleotide variant.
Coding change: c.145A>G on transcript NM_002582.4 (MANE Select); coding-DNA position 145, A replaced by G.
Protein change: p.Thr49Ala; replaces threonine 49 with alanine.
Molecular consequence: missense variant. On other transcripts: 5 prime UTR variant (1).
Genome position (GRCh38, 1-based): chr16:14,628,204, T>C on the plus strand (A>G on the coding strand, the complement: PARN is on the minus strand). VCF-style: chr16-14628204-T-C. GRCh37 (hg19) VCF-style: chr16-14722061-T-C.
Other names: p.Thr49Ala; c.-39A>G (NM_001134477.3); c.145A>G, p.Thr49Ala (NM_001242992.2); short protein forms T49A.
Identifiers: ClinVar variation 2929203 (VCV002929203.4), dbSNP rs1972796818, ClinGen allele CA394816950.